The following is an entry in ClinVar:

ClinVar aggregate classification (germline): Uncertain significance (1 of 4 stars; one submission).

Allele frequency attached by ClinVar (database versions not stated): ExAC 0.00035; ESP Exome Variant Server 0.00038; gnomAD 0.00038 and 0.00042; gnomAD exomes 0.00038 and 0.00069; TOPMed 0.00047.
gnomAD v4.1: 1,054 of 1,613,592 alleles (0.065%); highest among the groups gnomAD compares: Non-Finnish European, 0.083%; 1 homozygote.

Submission:

Laboratory for Molecular Medicine, Mass General Brigham Personalized Medicine
Classification: Uncertain significance. Last evaluated: 2015-08-25. Review status: criteria provided, single submitter. Criteria: LMM Criteria. Collection method: clinical testing. Allele origin: germline. Observed: 1 variant allele.
Comment: The p.Tyr252His variant in HSPH1 has not been previously associated with disease , but has been identified in 0.1% (35/66586) of European chromosomes by the Exom e Aggregation Consortium (ExAC; dbSNP rs14652000 7). Computational prediction tools and conservation analysis suggest that the p. Tyr252His variant may impact the protein, though this information is not predict ive enough to determine pathogenicity. In summary, the clinical significance of the p.Tyr252His variant is uncertain.

NM_006644.4(HSPH1):c.754T>C (p.Tyr252His)

Gene: HSPH1 (heat shock protein family H (Hsp110) member 1; minus strand). Cytogenetic location: 13q12.3.
Variant type: single nucleotide variant.
Coding change: c.754T>C on transcript NM_006644.4 (MANE Select); coding-DNA position 754, T replaced by C.
Protein change: p.Tyr252His; replaces tyrosine 252 with histidine.
Molecular consequence: missense variant.
Genome position (GRCh38, 1-based): chr13:31,151,101, A>G on the plus strand (T>C on the coding strand, the complement: HSPH1 is on the minus strand). VCF-style: chr13-31151101-A-G. GRCh37 (hg19) VCF-style: chr13-31725238-A-G.
Other names: c.760T>C, p.Tyr254His (NM_001286504.1); c.526T>C, p.Tyr176His (NM_001286505.1); c.754T>C, p.Tyr252His (NM_001349704.2, NM_001286503.2); short protein forms Y252H, Y254H, Y176H.
Identifiers: ClinVar variation 228745 (VCV000228745.4), dbSNP rs146520007, ClinGen allele CA6936052.